The following is an entry in ClinVar:

ClinVar aggregate classification (germline): Likely benign (1 of 4 stars; one submission).

Submission:

CeGaT Center for Human Genetics Tuebingen
Classification: Likely benign. Last evaluated: 2023-06-01. Review status: criteria provided, single submitter. Criteria: CeGaT Center For Human Genetics Tuebingen Variant Classification Criteria Version 2. Collection method: clinical testing. Allele origin: germline. Affected: yes. Observed: 1 variant allele.
Comment: IFT172: PM2:Supporting, BP4, BP7

NM_015662.3(IFT172):c.1530T>C (p.His510=)

Gene: IFT172 (intraflagellar transport 172; minus strand). Cytogenetic location: 2p23.3.
Variant type: single nucleotide variant.
Coding change: c.1530T>C on transcript NM_015662.3 (MANE Select); coding-DNA position 1530, T replaced by C.
Protein change: p.His510=; no amino-acid change (histidine 510 retained).
Molecular consequence: synonymous variant. On other transcripts: intron variant (1).
Genome position (GRCh38, 1-based): chr2:27,471,090, A>G on the plus strand (T>C on the coding strand, the complement: IFT172 is on the minus strand). VCF-style: chr2-27471090-A-G. GRCh37 (hg19) VCF-style: chr2-27693957-A-G.
Other names: c.1525-61T>C (NM_001410739.1).
Identifiers: ClinVar variation 2650769 (VCV002650769.24), dbSNP rs2465944922, ClinGen allele CA425410499.